The following is an entry in ClinVar:

NM_000038.6(APC):c.7465C>G (p.Pro2489Ala)

Gene: APC (APC regulator of Wnt signaling pathway; plus strand). Cytogenetic location: 5q22.2.
Variant type: single nucleotide variant.
Coding change: c.7465C>G on transcript NM_000038.6 (MANE Select); coding-DNA position 7465, C replaced by G.
Protein change: p.Pro2489Ala; replaces proline 2489 with alanine.
Molecular consequence: missense variant.
Genome position (GRCh38, 1-based): chr5:112,843,059, C>G. VCF-style: chr5-112843059-C-G. GRCh37 (hg19) VCF-style: chr5-112178756-C-G.
Other names: c.7465C>G, p.Pro2489Ala (NM_001127510.3, NM_001354895.2); c.7411C>G, p.Pro2471Ala (NM_001127511.3); c.7519C>G, p.Pro2507Ala (NM_001354896.2); c.7495C>G, p.Pro2499Ala (NM_001354897.2); c.7390C>G, p.Pro2464Ala (NM_001354898.2); c.7381C>G, p.Pro2461Ala (NM_001354899.2); c.7342C>G, p.Pro2448Ala (NM_001354900.2); c.7288C>G, p.Pro2430Ala (NM_001354901.2); and 5 more; short protein forms P2329A, P2363A, P2448A, P2461A, P2471A, P2499A, P2206A, P2388A.
Identifiers: ClinVar variation 951094 (VCV000951094.13), dbSNP rs1554088378, ClinGen allele CA16037572.

ClinVar aggregate classification (germline): Uncertain significance. Review status: criteria provided, multiple submitters, no conflicts (2 of 4 stars). 2 submissions from 2 submitters: Uncertain significance (2). Last evaluated 2025-06-09.

Conditions:
Familial adenomatous polyposis 1 (FAP1). Also called: POLYPOSIS, ADENOMATOUS INTESTINAL; FAMILIAL ADENOMATOUS POLYPOSIS 1, ATTENUATED. Identifiers: MedGen C2713442, MONDO:0021056, OMIM 175100. Disease mechanism: loss of function.
Hereditary cancer-predisposing syndrome. Also called: Tumor predisposition; Hereditary neoplastic syndrome; Neoplastic Syndromes, Hereditary; Hereditary Cancer Syndrome. Identifiers: Orphanet 140162, MedGen C0027672, MeSH D009386, MONDO:0015356.

Submissions (2):

Labcorp Genetics (formerly Invitae), Labcorp
Classification: Uncertain significance for Familial adenomatous polyposis 1. Last evaluated: 2025-06-09. Review status: criteria provided, single submitter. Criteria: Invitae Variant Classification Sherloc (09022015). Collection method: clinical testing. Allele origin: germline.
Comment: This sequence change replaces proline, which is neutral and non-polar, with alanine, which is neutral and non-polar, at codon 2489 of the APC protein (p.Pro2489Ala). This variant is not present in population databases (gnomAD no frequency). This variant has not been reported in the literature in individuals affected with APC-related conditions. ClinVar contains an entry for this variant (Variation ID: 951094). Invitae Evidence Modeling of protein sequence and biophysical properties (such as structural, functional, and spatial information, amino acid conservation, physicochemical variation, residue mobility, and thermodynamic stability) indicates that this missense variant is not expected to disrupt APC protein function with a negative predictive value of 95%. In summary, the available evidence is currently insufficient to determine the role of this variant in disease. Therefore, it has been classified as a Variant of Uncertain Significance.

Ambry Genetics
Classification: Uncertain significance for Hereditary cancer-predisposing syndrome. Last evaluated: 2022-04-08. Review status: criteria provided, single submitter. Criteria: Ambry Variant Classification Scheme 2023. Collection method: clinical testing. Allele origin: germline.
Comment: The p.P2489A variant (also known as c.7465C>G), located in coding exon 15 of the APC gene, results from a C to G substitution at nucleotide position 7465. The proline at codon 2489 is replaced by alanine, an amino acid with highly similar properties. This amino acid position is conserved. In addition, in silico predictors for this gene do not accurately predict pathogenicity. Since supporting evidence is limited at this time, the clinical significance of this alteration remains unclear.